The following is an entry in ClinVar:

ClinVar aggregate classification (germline): Likely pathogenic (1 of 4 stars; one submission).

Conditions:
Dilated cardiomyopathy 1G (CMD1G). Identifiers: Orphanet 154, MedGen C1858763, MONDO:0011400, OMIM 604145.
Autosomal recessive limb-girdle muscular dystrophy type 2J (LGMDR10). Also called: Limb-girdle muscular dystrophy, type 2J; MUSCULAR DYSTROPHY, LIMB-GIRDLE, AUTOSOMAL RECESSIVE 10. Identifiers: Orphanet 140922, MedGen C1837342, MONDO:0012127, OMIM 608807.

Submission:

Labcorp Genetics (formerly Invitae), Labcorp
Classification: Likely pathogenic for Dilated cardiomyopathy 1G; Autosomal recessive limb-girdle muscular dystrophy type 2J. Last evaluated: 2024-10-18. Review status: criteria provided, single submitter. Criteria: Invitae Variant Classification Sherloc (09022015). Collection method: clinical testing. Allele origin: germline.
Comment: This sequence change creates a premature translational stop signal (p.Gln14115*) in the TTN gene. While this is not anticipated to result in nonsense mediated decay, it is expected to create a truncated TTN protein. This variant is not present in population databases (gnomAD no frequency). This variant has not been reported in the literature in individuals affected with TTN-related conditions. ClinVar contains an entry for this variant (Variation ID: 1039770). This variant is located in the I band of TTN (PMID: 25589632). Truncating variants in this region have been reported in individuals affected with autosomal recessive centronuclear myopathy (PMID: 23975875, internal data). Truncating variants in this region have also been identified in individuals affected with autosomal dominant dilated cardiomyopathy and/or cardio-related conditions (PMID: 27869827, 32964742, internal data). In summary, the currently available evidence indicates that the variant is pathogenic, but additional data are needed to prove that conclusively. Therefore, this variant has been classified as Likely Pathogenic.

Literature cited by the submitters: PubMed 25589632; PubMed 23975875; PubMed 27869827; PubMed 32964742.

NM_001267550.2(TTN):c.42343C>T (p.Gln14115Ter)

Gene: TTN (titin; minus strand). Cytogenetic location: 2q31.2.
Variant type: single nucleotide variant.
Coding change: c.42343C>T on transcript NM_001267550.2 (MANE Select); coding-DNA position 42343, C replaced by T.
Protein change: p.Gln14115Ter; replaces glutamine 14115 with a stop codon.
Molecular consequence: nonsense.
Genome position (GRCh38, 1-based): chr2:178,634,438, G>A on the plus strand (C>T on the coding strand, the complement: TTN is on the minus strand). VCF-style: chr2-178634438-G-A. GRCh37 (hg19) VCF-style: chr2-179499165-G-A.
Other names: c.37420C>T, p.Gln12474Ter (NM_001256850.1); c.15148C>T, p.Gln5050Ter (NM_003319.4); c.34639C>T, p.Gln11547Ter (NM_133378.4); c.15523C>T, p.Gln5175Ter (NM_133432.3); c.15724C>T, p.Gln5242Ter (NM_133437.4); short protein forms Q5242*, Q11547*, Q12474*, Q14115*, Q5050*, Q5175*.
Identifiers: ClinVar variation 1039770 (VCV001039770.9), dbSNP rs2060169705, ClinGen allele CA349655057.